The following is an entry in ClinVar:

NM_020693.4(DSCAML1):c.6001G>A (p.Ala2001Thr)

Gene: DSCAML1 (DS cell adhesion molecule like 1; minus strand). Cytogenetic location: 11q23.3.
Variant type: single nucleotide variant.
Coding change: c.6001G>A on transcript NM_020693.4 (MANE Select); coding-DNA position 6001, G replaced by A.
Protein change: p.Ala2001Thr; replaces alanine 2001 with threonine.
Molecular consequence: missense variant.
Genome position (GRCh38, 1-based): chr11:117,428,489, C>T on the plus strand (G>A on the coding strand, the complement: DSCAML1 is on the minus strand). VCF-style: chr11-117428489-C-T. GRCh37 (hg19) VCF-style: chr11-117299205-C-T.
Other names: c.6181G>A (NM_020693.2); short protein forms A2001T.
Identifiers: ClinVar variation 1350796 (VCV001350796.7), dbSNP rs778403842, ClinGen allele CA6295899.
Genomic context (GRCh38, chr11:117,428,489, plus strand): 5'-CCATTTTGGTGTGTGGGCCCCCGGCTCGTGGAGGCTCGGTGCTGGGGGCCGGAGGGGCAG[C>T]GCTGGGGGCGGTGGGTGGCTCAGCAGGGGTGGGGCCGGGGGCTGGGGGGGCTGTGCCGGC-3'
Protein context (NP_065744.3, residues 1991-2011): TPAEPPTAPS[Ala2001Thr]APPAPSTEPP

ClinVar aggregate classification (germline): Uncertain significance. Review status: criteria provided, multiple submitters, no conflicts (2 of 4 stars). 2 submissions from 2 submitters: Uncertain significance (2). Last evaluated 2025-09-06.

Allele frequency attached by ClinVar (database versions not stated): gnomAD 0.00001; gnomAD exomes 0.00006 and 0.00007; ExAC 0.00007.
gnomAD v4.1: 96 of 1,501,888 alleles (0.0064%); highest among the groups gnomAD compares: Non-Finnish European, 0.008%; no homozygotes.

Submissions (2):

Labcorp Genetics (formerly Invitae), Labcorp
Classification: Uncertain significance. Last evaluated: 2025-09-06. Review status: criteria provided, single submitter. Criteria: Invitae Variant Classification Sherloc (09022015). Collection method: clinical testing. Allele origin: germline.
Comment: This sequence change replaces alanine, which is neutral and non-polar, with threonine, which is neutral and polar, at codon 2061 of the DSCAML1 protein (p.Ala2061Thr). The frequency data for this variant in the population databases is considered unreliable, as metrics indicate poor data quality at this position in the gnomAD database. This variant has not been reported in the literature in individuals affected with DSCAML1-related conditions. ClinVar contains an entry for this variant (Variation ID: 1350796). An algorithm developed to predict the effect of missense changes on protein structure and function outputs the following: PolyPhen-2: "Benign". The threonine amino acid residue is found in multiple mammalian species, which suggests that this missense change does not adversely affect protein function. In summary, the available evidence is currently insufficient to determine the role of this variant in disease. Therefore, it has been classified as a Variant of Uncertain Significance.

Ambry Genetics
Classification: Uncertain significance. Last evaluated: 2024-08-14. Review status: criteria provided, single submitter. Criteria: Ambry Variant Classification Scheme 2023. Collection method: clinical testing. Allele origin: germline.